The following is an entry in ClinVar:

ClinVar aggregate classification (germline): Likely pathogenic (1 of 4 stars; one submission).

Conditions:
Leukodystrophy, hypomyelinating, 2. Also called: PELIZAEUS-MERZBACHER-LIKE DISEASE, 1. Identifiers: Orphanet 280270, Orphanet 280282, MedGen C1837355, MONDO:0012125, OMIM 608804.

Submission:

Diagnostics Division, CENTRE FOR DNA FINGERPRINTING AND DIAGNOSTICS
Classification: Likely pathogenic for Leukodystrophy, hypomyelinating, 2. Last evaluated: 2014-01-01. Review status: criteria provided, single submitter. Criteria: Submitter's publication. Collection method: research. Allele origin: germline. Affected: yes. Observed: 1 homozygote.
Comment: Indel variant

NM_020435.4(GJC2):c.78del (p.Trp27fs)

Gene: GJC2 (gap junction protein gamma 2; plus strand). Cytogenetic location: 1q42.13.
Variant type: Deletion.
Coding change: c.78del on transcript NM_020435.4 (MANE Select); coding-DNA position 78, one base deleted (G; older notation c.78delG).
Protein change: p.Trp27fs; shifts the reading frame from tryptophan 27.
Molecular consequence: frameshift variant.
Genome position (GRCh38, 1-based): chr1:228,157,836, G deleted. VCF-style (leftmost placement, unchanged base first): chr1-228157835-TG-T. GRCh37 (hg19) VCF-style: chr1-228345536-TG-T.
Other names: short protein forms W27fs.
Identifiers: ClinVar variation 266108 (VCV000266108.3), dbSNP rs886039904, ClinGen allele CA10588985.